The following is an entry in ClinVar:

ClinVar aggregate classification (germline): Uncertain significance. Review status: criteria provided, multiple submitters, no conflicts (2 of 4 stars). 2 submissions from 2 submitters: Uncertain significance (2). Last evaluated 2024-02-06.

Conditions:
Hereditary cancer-predisposing syndrome. Also called: Neoplastic Syndromes, Hereditary; Tumor predisposition; Hereditary Cancer Syndrome; Hereditary neoplastic syndrome. Identifiers: Orphanet 140162, MedGen C0027672, MeSH D009386, MONDO:0015356.
DICER1-related tumor predisposition. Also called: DICER1-related pleuropulmonary blastoma cancer predisposition syndrome; DICER1 syndrome. Identifiers: Orphanet 284343, MedGen C3839822, MONDO:0100216.

Allele frequency attached by ClinVar (database versions not stated): gnomAD 0.00001.
gnomAD v4.1: 1 of 1,582,368 alleles (0.000063%); highest among the groups gnomAD compares: African/African-American, 0.0013%; no homozygotes.

Submissions (2):

Labcorp Genetics (formerly Invitae), Labcorp
Classification: Uncertain significance for DICER1-related tumor predisposition. Last evaluated: 2024-02-06. Review status: criteria provided, single submitter. Criteria: Invitae Variant Classification Sherloc (09022015). Collection method: clinical testing. Allele origin: germline.
Comment: This sequence change replaces alanine, which is neutral and non-polar, with serine, which is neutral and polar, at codon 277 of the DICER1 protein (p.Ala277Ser). This variant is not present in population databases (gnomAD no frequency). This variant has not been reported in the literature in individuals affected with DICER1-related conditions. ClinVar contains an entry for this variant (Variation ID: 2184491). Advanced modeling of protein sequence and biophysical properties (such as structural, functional, and spatial information, amino acid conservation, physicochemical variation, residue mobility, and thermodynamic stability) performed at Invitae indicates that this missense variant is not expected to disrupt DICER1 protein function with a negative predictive value of 80%. In summary, the available evidence is currently insufficient to determine the role of this variant in disease. Therefore, it has been classified as a Variant of Uncertain Significance.

Ambry Genetics
Classification: Uncertain significance for Hereditary cancer-predisposing syndrome. Last evaluated: 2024-02-01. Review status: criteria provided, single submitter. Criteria: Ambry Variant Classification Scheme 2023. Collection method: clinical testing. Allele origin: germline.
Comment: The p.A277S variant (also known as c.829G>T), located in coding exon 6 of the DICER1 gene, results from a G to T substitution at nucleotide position 829. The alanine at codon 277 is replaced by serine, an amino acid with similar properties. This amino acid position is conserved. In addition, this alteration is predicted to be tolerated by in silico analysis. Based on the available evidence, the clinical significance of this alteration remains unclear.

NM_177438.3(DICER1):c.829G>T (p.Ala277Ser)

Gene: DICER1 (dicer 1, ribonuclease III; minus strand). Cytogenetic location: 14q32.13.
Variant type: single nucleotide variant.
Coding change: c.829G>T on transcript NM_177438.3 (MANE Select); coding-DNA position 829, G replaced by T.
Protein change: p.Ala277Ser; replaces alanine 277 with serine.
Molecular consequence: missense variant. On other transcripts: 5 prime UTR variant (1), non-coding transcript variant (6).
Genome position (GRCh38, 1-based): chr14:95,126,654, C>A on the plus strand (G>T on the coding strand, the complement: DICER1 is on the minus strand). VCF-style: chr14-95126654-C-A. GRCh37 (hg19) VCF-style: chr14-95592991-C-A.
Other names: c.829G>T, p.Ala277Ser (NM_001195573.1, NM_001271282.3, NM_001291628.2 and 15 more transcripts); c.547G>T, p.Ala183Ser (NM_001395686.1); c.424G>T, p.Ala142Ser (NM_001395687.1, NM_001395688.1, NM_001395689.1 and 3 more transcripts); c.262G>T, p.Ala88Ser (NM_001395691.1); c.-740G>T (NM_001395697.1); short protein forms A277S, A183S, A88S, A142S.
Identifiers: ClinVar variation 2184491 (VCV002184491.5), dbSNP rs1893485850, ClinGen allele CA390887595.